The following is an entry in ClinVar:

ClinVar aggregate classification (germline): Pathogenic/Likely pathogenic. Review status: criteria provided, multiple submitters, no conflicts (2 of 4 stars). 5 submissions from 3 submitters: Pathogenic (1); Likely pathogenic (4). Last evaluated 2025-05-13.

Conditions:
Dilated cardiomyopathy 1D. Identifiers: Orphanet 154, Orphanet 54260, MedGen C1832243, MONDO:0011095, OMIM 601494.
Cardiomyopathy, familial restrictive, 3. Identifiers: Orphanet 75249, MedGen C2676271, MONDO:0012900, OMIM 612422.
Hypertrophic cardiomyopathy 2. Also called: TNNT2-Related Familial Hypertrophic Cardiomyopathy. Identifiers: MedGen C1861864, MONDO:0007266, OMIM 115195.
Hypertrophic cardiomyopathy. Also called: HYPERTROPHIC MYOCARDIOPATHY. Identifiers: Orphanet 217569, MedGen C0007194, MeSH D002312, MONDO:0005045, HP:0001639.

Submissions (5):

Labcorp Genetics (formerly Invitae), Labcorp
Classification: Pathogenic for Cardiomyopathy, familial restrictive, 3; Hypertrophic cardiomyopathy 2; Dilated cardiomyopathy 1D. Last evaluated: 2025-05-13. Review status: criteria provided, single submitter. Criteria: Invitae Variant Classification Sherloc (09022015). Collection method: clinical testing. Allele origin: germline.
Comment: This sequence change falls in intron 15 of the TNNT2 gene. It does not directly change the encoded amino acid sequence of the TNNT2 protein. It affects a nucleotide within the consensus splice site. This variant is not present in population databases (gnomAD no frequency). This variant has been observed in individual(s) with hypertrophic cardiomyopathy (PMID: 7898523, 8205619, 25611685, 27532257). It has also been observed to segregate with disease in related individuals. ClinVar contains an entry for this variant (Variation ID: 165533). Algorithms developed to predict the effect of variants on gene product structure and function are not available or were not evaluated for this variant. Experimental studies have shown that this variant affects TNNT2 function (PMID: 9637714, 10617660, 10850966, 15568820, 21245263, 27036851). Variants that disrupt the consensus splice site are a relatively common cause of aberrant splicing (PMID: 17576681, 9536098). Algorithms developed to predict the effect of sequence changes on RNA splicing suggest that this variant may disrupt the consensus splice site. For these reasons, this variant has been classified as Pathogenic.

Genome-Nilou Lab
Classification: Likely pathogenic for Dilated cardiomyopathy 1D. Last evaluated: 2023-04-11. Review status: criteria provided, single submitter. Criteria: ACMG Guidelines, 2015. Collection method: clinical testing. Allele origin: germline. Affected: no.

Genome-Nilou Lab
Classification: Likely pathogenic for Cardiomyopathy, familial restrictive, 3. Last evaluated: 2023-04-11. Review status: criteria provided, single submitter. Criteria: ACMG Guidelines, 2015. Collection method: clinical testing. Allele origin: germline. Affected: no.

Genome-Nilou Lab
Classification: Likely pathogenic for Hypertrophic cardiomyopathy 2. Last evaluated: 2023-04-11. Review status: criteria provided, single submitter. Criteria: ACMG Guidelines, 2015. Collection method: clinical testing. Allele origin: germline. Affected: no.

Laboratory for Molecular Medicine, Mass General Brigham Personalized Medicine
Classification: Likely pathogenic for Hypertrophic cardiomyopathy. Last evaluated: 2015-12-04. Review status: criteria provided, single submitter. Criteria: LMM Criteria. Collection method: clinical testing. Allele origin: germline. Observed: 2 variant alleles.
Comment: It was absent from large population studies. Another substitution at the same nucleotide position (c.821+1G>A), which is clas sified as pathogenic, was shown to result in an abnormal protein with impaired f unction (Watkins 1995, Watkins 1996, Mukherjea 1999, Szczesna 2000, Gafurov 2004 ). The c.821+1G>T variant occurs in the same invariant region (+/- 1,2) of the s plice consensus sequence and is expected to result in an altered splicing leadin g to an abnormal protein similarly to the c.821+1G>A variant. In addition, block ing splicing at the zebrafish equivalent of this splice site provides some evide nce for a causative role (Becker 2011). In summary, although additional studies are required to fully establish its clinical significance, the c.821+1G>T varia nt is likely pathogenic.

Literature cited by the submitters: PubMed 7898523 (cited by Labcorp Genetics (formerly Invitae), Labcorp); PubMed 8205619 (cited by Labcorp Genetics (formerly Invitae), Labcorp); PubMed 25611685 (cited by Labcorp Genetics (formerly Invitae), Labcorp); PubMed 27532257 (cited by Labcorp Genetics (formerly Invitae), Labcorp); PubMed 9637714 (cited by Labcorp Genetics (formerly Invitae), Labcorp); PubMed 10617660 (cited by Labcorp Genetics (formerly Invitae), Labcorp); PubMed 10850966 (cited by Labcorp Genetics (formerly Invitae), Labcorp); PubMed 15568820 (cited by Labcorp Genetics (formerly Invitae), Labcorp); PubMed 21245263 (cited by Labcorp Genetics (formerly Invitae), Labcorp and Laboratory for Molecular Medicine, Mass General Brigham Personalized Medicine); PubMed 27036851 (cited by Labcorp Genetics (formerly Invitae), Labcorp); PubMed 17576681 (cited by Labcorp Genetics (formerly Invitae), Labcorp); PubMed 9536098 (cited by Labcorp Genetics (formerly Invitae), Labcorp).

NM_001276345.2(TNNT2):c.851+1G>T

Gene: TNNT2 (troponin T2, cardiac type; minus strand). Cytogenetic location: 1q32.1.
Variant type: single nucleotide variant.
Coding change: c.851+1G>T on transcript NM_001276345.2 (MANE Select); the canonical splice donor site of the intron after coding-DNA position 851, G replaced by T.
Molecular consequence: splice donor variant.
Genome position (GRCh38, 1-based): chr1:201,359,622, C>A on the plus strand (G>T on the coding strand, the complement: TNNT2 is on the minus strand). VCF-style: chr1-201359622-C-A. GRCh37 (hg19) VCF-style: chr1-201328750-C-A.
Other names: c.812+1G>T (NM_001406727.1, NM_001001431.3, NM_001406726.1); c.821+1G>T (NM_001406724.1, NM_001001430.3, NM_001276347.2); c.803+1G>T (NM_001001432.3); c.806+1G>T (NM_001406728.1); c.818+1G>T (NM_001406725.1); c.722+1G>T (NM_001276346.2); c.842+1G>T (NM_000364.4, NM_001406723.1).
Identifiers: ClinVar variation 165533 (VCV000165533.12), dbSNP rs111377893, ClinGen allele CA005210.